The following is an entry in ClinVar:

ClinVar aggregate classification (germline): Uncertain significance (1 of 4 stars; one submission).

Submission:

Labcorp Genetics (formerly Invitae), Labcorp
Classification: Uncertain significance. Last evaluated: 2025-02-20. Review status: criteria provided, single submitter. Criteria: Invitae Variant Classification Sherloc (09022015). Collection method: clinical testing. Allele origin: germline.
Comment: This variant, c.1113_1121dup, results in the insertion of 3 amino acid(s) of the CTNNB1 protein (p.Pro373_Ser374insArgAspPro), but otherwise preserves the integrity of the reading frame. This variant is not present in population databases (gnomAD no frequency). This variant has not been reported in the literature in individuals affected with CTNNB1-related conditions. In summary, the available evidence is currently insufficient to determine the role of this variant in disease. Therefore, it has been classified as a Variant of Uncertain Significance.

NM_001904.4(CTNNB1):c.1113_1121dup (p.Pro373_Ser374insArgAspPro)

Gene: CTNNB1 (catenin beta 1; plus strand). Cytogenetic location: 3p22.1.
Variant type: Duplication.
Coding change: c.1113_1121dup on transcript NM_001904.4 (MANE Select); coding-DNA positions 1113 to 1121, 9 bases duplicated (AGATCCAAG; older notation c.1113_1121dupAGATCCAAG).
Protein change: p.Pro373_Ser374insArgAspPro.
Molecular consequence: inframe insertion.
Genome position (GRCh38, 1-based): chr3:41,233,372-41,233,380, AGATCCAAG duplicated. VCF-style (leftmost placement, unchanged base first): chr3-41233371-C-CAGATCCAAG. GRCh37 (hg19) VCF-style: chr3-41274862-C-CAGATCCAAG.
Other names: c.1113_1121dup, p.Pro373_Ser374insArgAspPro (NM_001098209.2, NM_001098210.2, NM_001438871.1 and 4 more transcripts); c.1092_1100dup, p.Pro366_Ser367insArgAspPro (NM_001330729.2).
Identifiers: ClinVar variation 4713316 (VCV004713316.1).